The following is an entry in ClinVar:

NM_000059.4(BRCA2):c.8682A>T (p.Gln2894His)

Gene: BRCA2 (BRCA2 DNA repair associated; plus strand). Cytogenetic location: 13q13.1.
Variant type: single nucleotide variant.
Coding change: c.8682A>T on transcript NM_000059.4 (MANE Select); coding-DNA position 8682, A replaced by T.
Protein change: p.Gln2894His; replaces glutamine 2894 with histidine.
Molecular consequence: missense variant.
Genome position (GRCh38, 1-based): chr13:32,376,719, A>T. VCF-style: chr13-32376719-A-T. GRCh37 (hg19) VCF-style: chr13-32950856-A-T.
Other names: c.8586A>T, p.Gln2862His (NM_001406719.1); c.8682A>T, p.Gln2894His (NM_001406720.1); c.3750A>T, p.Gln1250His (NM_001406721.1); c.2265A>T, p.Gln755His (NM_001406722.1); short protein forms Q2862H, Q755H, Q1250H, Q2894H.
Identifiers: ClinVar variation 1764290 (VCV001764290.2), dbSNP rs1593934863, ClinGen allele CA387754778.

ClinVar aggregate classification (germline): Uncertain significance (1 of 4 stars; one submission).

Conditions:
Hereditary cancer-predisposing syndrome. Also called: Neoplastic Syndromes, Hereditary; Tumor predisposition; Hereditary Cancer Syndrome; Hereditary neoplastic syndrome. Identifiers: Orphanet 140162, MedGen C0027672, MeSH D009386, MONDO:0015356.

Submission:

Ambry Genetics
Classification: Uncertain significance for Hereditary cancer-predisposing syndrome. Last evaluated: 2022-03-08. Review status: criteria provided, single submitter. Criteria: Ambry Variant Classification Scheme 2023. Collection method: clinical testing. Allele origin: germline.
Comment: The p.Q2894H variant (also known as c.8682A>T), located in coding exon 20 of the BRCA2 gene, results from an A to T substitution at nucleotide position 8682. The glutamine at codon 2894 is replaced by histidine, an amino acid with highly similar properties. This amino acid position is conserved. In addition, the in silico prediction for this alteration is inconclusive. Since supporting evidence is limited at this time, the clinical significance of this alteration remains unclear.